The following is an entry in ClinVar:

NM_000352.6(ABCC8):c.4636G>A (p.Asp1546Asn)

Gene: ABCC8 (ATP binding cassette subfamily C member 8; minus strand). Cytogenetic location: 11p15.1.
Variant type: single nucleotide variant.
Coding change: c.4636G>A on transcript NM_000352.6 (MANE Select); coding-DNA position 4636, G replaced by A.
Protein change: p.Asp1546Asn; replaces aspartic acid 1546 with asparagine.
Molecular consequence: missense variant. On other transcripts: non-coding transcript variant (1).
Genome position (GRCh38, 1-based): chr11:17,393,101, C>T on the plus strand (G>A on the coding strand, the complement: ABCC8 is on the minus strand). VCF-style: chr11-17393101-C-T. GRCh37 (hg19) VCF-style: chr11-17414648-C-T.
Other names: c.4639G>A, p.Asp1547Asn (NM_001287174.3); c.4702G>A, p.Asp1568Asn (NM_001351295.2); c.4636G>A, p.Asp1546Asn (NM_001351296.2); c.4633G>A, p.Asp1545Asn (NM_001351297.2); short protein forms D1545N, D1546N, D1547N, D1568N.
Identifiers: ClinVar variation 3900435 (VCV003900435.1).
Genomic context (GRCh38, chr11:17,393,101, plus strand): 5'-GCAGCTTCTCTGGCTTATCGAACTCAAGGATGGCACCCCGCTTCAGGACGATCACCAGGT[C>T]TGCACTCAGGATGGTGTGCACTCGATGCTGGGCAGGGCAGGAGGGGGCGGGTCAGGATGG-3'
Protein context (NP_000343.2, residues 1536-1556): AHRVHTILSA[Asp1546Asn]LVIVLKRGAI

ClinVar aggregate classification (germline): Uncertain significance (1 of 4 stars; one submission).

gnomAD v4.1: 1 of 1,613,896 alleles (0.000062%); highest among the groups gnomAD compares: Non-Finnish European, 0.000085%; no homozygotes.

Submission:

GeneDx
Classification: Uncertain significance. Last evaluated: 2024-11-26. Review status: criteria provided, single submitter. Criteria: GeneDx Variant Classification Process June 2021. Collection method: clinical testing. Allele origin: germline. Affected: yes.
Comment: Not observed at significant frequency in large population cohorts (gnomAD); In silico analysis supports that this missense variant has a deleterious effect on protein structure/function; Has not been previously published as pathogenic or benign to our knowledge